The following is an entry in ClinVar:

ClinVar aggregate classification (germline): Benign. Review status: criteria provided, multiple submitters, no conflicts (2 of 4 stars). 3 submissions from 3 submitters: Benign (2). 1 of the submissions does not count toward it. Last evaluated 2026-02-02.

Conditions:
ZNF687-related disorder. Also called: ZNF687-related condition.

Allele frequency attached by ClinVar (database versions not stated): gnomAD exomes 0.11300 and 0.11486; 1000 Genomes Project 0.10883; gnomAD 0.12403 and 0.12585; 1000 Genomes Project 30x 0.11165; ESP Exome Variant Server 0.12633; TOPMed 0.12890; ExAC 0.11304.
gnomAD v4.1: 184,369 of 1,612,320 alleles (11%); highest among the groups gnomAD compares: Middle Eastern, 17%; 11,054 homozygotes.

Submissions (3):

Labcorp Genetics (formerly Invitae), Labcorp
Classification: Benign. Last evaluated: 2026-02-02. Review status: criteria provided, single submitter. Criteria: Invitae Variant Classification Sherloc (09022015). Collection method: clinical testing. Allele origin: germline.

Breakthrough Genomics
Classification: Benign. Review status: criteria provided, single submitter. Criteria: ACMG Guidelines, 2015. Collection method: not provided. Allele origin: germline. Inheritance: Autosomal dominant inheritance. Affected: yes.

PreventionGenetics, part of Exact Sciences
Classification: Benign for ZNF687-related condition. Last evaluated: 2019-10-21. Review status: no assertion criteria provided. Collection method: clinical testing. Allele origin: germline. Not counted in ClinVar's aggregate classification.
Comment: This variant is classified as benign based on ACMG/AMP sequence variant interpretation guidelines (Richards et al. 2015 PMID: 25741868, with internal and published modifications).

NM_020832.3(ZNF687):c.776G>A (p.Gly259Glu)

Gene: ZNF687 (zinc finger protein 687; plus strand). Cytogenetic location: 1q21.3.
Variant type: single nucleotide variant.
Coding change: c.776G>A on transcript NM_020832.3 (MANE Select); coding-DNA position 776, G replaced by A.
Protein change: p.Gly259Glu; replaces glycine 259 with glutamic acid.
Molecular consequence: missense variant.
Genome position (GRCh38, 1-based): chr1:151,287,067, G>A. VCF-style: chr1-151287067-G-A. GRCh37 (hg19) VCF-style: chr1-151259543-G-A.
Other names: c.776G>A (NM_020832.2); c.776G>A, p.Gly259Glu (NM_001304763.2, NM_001304764.2); short protein forms G259E.
Identifiers: ClinVar variation 1659135 (VCV001659135.11), dbSNP rs3748545, ClinGen allele CA1088216.
Genomic context (GRCh38, chr1:151,287,067, plus strand): 5'-CAGGCTCCAGCCCTAAGGCCACGGACATCCCTGCCAGTGCCTCGCCTCCCCCAGTTGCTG[G>A]GGTGCCCTTCTTCAAGCAGTCTCCAGGGCACCAGAGCCCTCTTGCCTCCCCCAAAGTGCC-3'
Protein context (NP_065883.1, residues 249-269): PASASPPPVA[Gly259Glu]VPFFKQSPGH